The following is an entry in ClinVar:

NM_000094.4(COL7A1):c.7714G>A (p.Gly2572Ser)

Gene: COL7A1 (collagen type VII alpha 1 chain; minus strand). Cytogenetic location: 3p21.31.
Variant type: single nucleotide variant.
Coding change: c.7714G>A on transcript NM_000094.4 (MANE Select); coding-DNA position 7714, G replaced by A.
Protein change: p.Gly2572Ser; replaces glycine 2572 with serine.
Molecular consequence: missense variant.
Genome position (GRCh38, 1-based): chr3:48,568,828, C>T on the plus strand (G>A on the coding strand, the complement: COL7A1 is on the minus strand). VCF-style: chr3-48568828-C-T. GRCh37 (hg19) VCF-style: chr3-48606261-C-T.
Other names: short protein forms G2572S.
Identifiers: ClinVar variation 4688238 (VCV004688238.1).

ClinVar aggregate classification (germline): Uncertain significance (1 of 4 stars; one submission).

Submission:

Women's Health and Genetics/Laboratory Corporation of America, LabCorp
Classification: Uncertain significance. Last evaluated: 2025-12-17. Review status: criteria provided, single submitter. Criteria: LabCorp Variant Classification Summary - May 2015. Collection method: clinical testing. Allele origin: germline.
Comment: Variant summary: COL7A1 c.7714G>A (p.Gly2572Ser) results in a non-conservative amino acid change in the encoded protein sequence. Algorithms developed to predict the effect of missense changes on protein structure and function all suggest that this variant is likely to be disruptive. The frequency data for this variant in gnomAD is considered unreliable, as metrics indicate poor data quality at this position. To our knowledge, no occurrence of c.7714G>A in individuals affected with COL7A1-related conditions and no experimental evidence demonstrating its impact on protein function have been reported. No submitters have cited clinical-significance assessments for this variant to ClinVar. Based on the evidence outlined above, the variant was classified as uncertain significance.